The following is an entry in ClinVar:

NM_020822.3(KCNT1):c.2764A>C (p.Thr922Pro)

Gene: KCNT1 (potassium sodium-activated channel subfamily T member 1; plus strand). Cytogenetic location: 9q34.3.
Variant type: single nucleotide variant.
Coding change: c.2764A>C on transcript NM_020822.3 (MANE Select); coding-DNA position 2764, A replaced by C.
Protein change: p.Thr922Pro; replaces threonine 922 with proline.
Molecular consequence: missense variant.
Genome position (GRCh38, 1-based): chr9:135,779,393, A>C. VCF-style: chr9-135779393-A-C. GRCh37 (hg19) VCF-style: chr9-138671239-A-C.
Other names: c.2629A>C, p.Thr877Pro (NM_001272003.2); short protein forms T877P, T922P.
Identifiers: ClinVar variation 4855891 (VCV004855891.1).

ClinVar aggregate classification (germline): Uncertain significance (1 of 4 stars; one submission).

Conditions:
Developmental and epileptic encephalopathy, 14 (DEE14). Also called: Early infantile epileptic encephalopathy 14. Identifiers: Orphanet 293181, MedGen C3554195, MONDO:0013989, OMIM 614959.

Submission:

3billion
Classification: Uncertain significance for Developmental and epileptic encephalopathy, 14. Last evaluated: 2025-07-24. Review status: criteria provided, single submitter. Criteria: ACMG Guidelines, 2015. Collection method: clinical testing. Allele origin: germline. Affected: yes.
Comment: The variant is not observed in the gnomAD v4.1.0 dataset. Predicted Consequence/Location: Missense variant. Missense changes are a common disease-causing mechanism. In silico tool predictions suggest damaging effect of the variant on gene or gene product [REVEL: 0.81 (>=0.6, sensitivity 0.68 and specificity 0.92); 3Cnet: 0.99 (> 0.75, sensitivity 0.96 and precision 0.92)]. Therefore, this variant is classified as VUS according to the recommendation of ACMG/AMP guideline.